The following is an entry in ClinVar:

NM_020919.4(ALS2):c.*1202C>T

Gene: ALS2 (alsin Rho guanine nucleotide exchange factor ALS2; minus strand). Cytogenetic location: 2q33.1.
Variant type: single nucleotide variant.
Coding change: c.*1202C>T on transcript NM_020919.4 (MANE Select); 1202 bases downstream of the stop codon, C replaced by T.
Molecular consequence: 3 prime UTR variant.
Genome position (GRCh38, 1-based): chr2:201,700,649, G>A on the plus strand (C>T on the coding strand, the complement: ALS2 is on the minus strand). VCF-style: chr2-201700649-G-A. GRCh37 (hg19) VCF-style: chr2-202565372-G-A.
Identifiers: ClinVar variation 333572 (VCV000333572.5), dbSNP rs41309068, ClinGen allele CA10612437.

ClinVar aggregate classification (germline): Benign. Review status: criteria provided, single submitter (1 of 4 stars). 2 submissions from 1 submitter: Benign (2). Last evaluated 2018-01-13.

Conditions:
ALS2-related disorder. Also called: ALS2-related condition; ALS2-related disorders; ALS2-Related Spectrum Disorders. Identifiers: MedGen CN169291.
Amyotrophic lateral sclerosis type 2, juvenile. Also called: ALS, JUVENILE; Amyotrophic lateral sclerosis type 2. Identifiers: Orphanet 300605, MedGen C1859807, MONDO:0008780, OMIM 205100.

Allele frequency attached by ClinVar (database versions not stated): 1000 Genomes Project 0.00439; 1000 Genomes Project 30x 0.00500; TOPMed 0.00518; gnomAD 0.00327 and 0.00340.

Submissions (2):

Illumina Laboratory Services, Illumina
Classification: Benign for ALS2-Related Disorders. Last evaluated: 2018-01-13. Review status: criteria provided, single submitter. Criteria: ICSL Variant Classification Criteria 13 December 2019. Collection method: clinical testing. Allele origin: germline.
Comment: This variant was observed in the ICSL laboratory as part of a predisposition screen in an ostensibly healthy population. It had not been previously curated by ICSL or reported in the Human Gene Mutation Database (HGMD: prior to June 1st, 2018), and was therefore a candidate for classification through an automated scoring system. Utilizing variant allele frequency, disease prevalence and penetrance estimates, and inheritance mode, an automated score was calculated to assess if this variant is too frequent to cause the disease. Based on the score and internal cut-off values, a variant classified as benign is not then subjected to further curation. The score for this variant resulted in a classification of benign for this disease.

Illumina Laboratory Services, Illumina
Classification: Benign for Amyotrophic lateral sclerosis type 2. Last evaluated: 2018-01-13. Review status: criteria provided, single submitter. Criteria: ICSL Variant Classification Criteria 13 December 2019. Collection method: clinical testing. Allele origin: germline.
Comment: the same text as in the submission from Illumina Laboratory Services, Illumina above.